The following is an entry in ClinVar:

NM_001291867.2(NHS):c.994A>C (p.Thr332Pro)

Gene: NHS (NHS actin remodeling regulator; plus strand). Cytogenetic location: Xp22.13.
Variant type: single nucleotide variant.
Coding change: c.994A>C on transcript NM_001291867.2 (MANE Select); coding-DNA position 994, A replaced by C.
Protein change: p.Thr332Pro; replaces threonine 332 with proline.
Molecular consequence: missense variant.
Genome position (GRCh38, 1-based): chrX:17,721,519, A>C. VCF-style: chrX-17721519-A-C. GRCh37 (hg19) VCF-style: chrX-17739639-A-C.
Other names: c.463A>C, p.Thr155Pro (NM_001136024.4); c.400A>C, p.Thr134Pro (NM_001291868.2); c.655A>C, p.Thr219Pro (NM_001440780.1); c.931A>C, p.Thr311Pro (NM_198270.4); short protein forms T134P, T219P, T311P, T155P, T332P.
Identifiers: ClinVar variation 5008097 (VCV005008097.1).

ClinVar aggregate classification (germline): Uncertain significance (1 of 4 stars; one submission).

Submission:

GeneDx
Classification: Uncertain significance. Last evaluated: 2026-02-14. Review status: criteria provided, single submitter. Criteria: GeneDx Variant Classification Process June 2021. Collection method: clinical testing. Allele origin: germline.
Comment: Not observed at significant frequency in large population cohorts (gnomAD); In silico analysis suggests that this missense variant does not alter protein structure/function; Has not been previously published as pathogenic or benign to our knowledge